The following is an entry in ClinVar:

NM_012208.4(HARS2):c.-4C>G

Genes: HARS2 (histidyl-tRNA synthetase 2, mitochondrial; plus strand), LOC119407423 (HARS1 and HARS2 bidirectional promoter region; plus strand). Cytogenetic location: 5q31.3.
Variant type: single nucleotide variant.
Coding change: c.-4C>G on transcript NM_012208.4 (MANE Select); 4 bases upstream of the start codon, C replaced by G.
Molecular consequence: 5 prime UTR variant. On other transcripts: intron variant (1).
Genome position (GRCh38, 1-based): chr5:140,691,645, C>G. VCF-style: chr5-140691645-C-G. GRCh37 (hg19) VCF-style: chr5-140071230-C-G.
Other names: c.-4C>G (NM_001278731.2, NM_001363535.2); c.-314C>G (NM_001278732.2); c.-326+130C>G (NM_001363536.2).
Identifiers: ClinVar variation 228737 (VCV000228737.4), dbSNP rs876657830, ClinGen allele CA10576649.

ClinVar aggregate classification (germline): Uncertain significance (1 of 4 stars; one submission).

Allele frequency attached by ClinVar (database versions not stated): TOPMed below 0.00001; gnomAD 0.00001; gnomAD exomes 0.00001 and 0.00002.

Submission:

Laboratory for Molecular Medicine, Mass General Brigham Personalized Medicine
Classification: Uncertain significance. Last evaluated: 2015-06-08. Review status: criteria provided, single submitter. Criteria: LMM Criteria. Collection method: clinical testing. Allele origin: germline. Observed: 1 variant allele.
Comment: The c.-4C>G variant in HARS2 has not been previously reported in inviduals with hearing loss. Data from large population studies is insufficient to assess the f requency of this variant. This variant is located within the 5' untranslated reg ion (UTR) of HARS2. Although this variant alters the Kozak sequence, it is uncle ar if a C>G change at this position would impact protein translation. In summary , the clinical significance of the c.-4C>G variant is uncertain.